The following is an entry in ClinVar:

NM_025114.4(CEP290):c.620A>G (p.Gln207Arg)

Gene: CEP290 (centrosomal protein 290; minus strand). Cytogenetic location: 12q21.32.
Variant type: single nucleotide variant.
Coding change: c.620A>G on transcript NM_025114.4 (MANE Select); coding-DNA position 620, A replaced by G.
Protein change: p.Gln207Arg; replaces glutamine 207 with arginine.
Molecular consequence: missense variant.
Genome position (GRCh38, 1-based): chr12:88,130,317, T>C on the plus strand (A>G on the coding strand, the complement: CEP290 is on the minus strand). VCF-style: chr12-88130317-T-C. GRCh37 (hg19) VCF-style: chr12-88524094-T-C.
Other names: short protein forms Q207R.
Identifiers: ClinVar variation 1492152 (VCV001492152.5), dbSNP rs2138095264, ClinGen allele CA385986267.

ClinVar aggregate classification (germline): Uncertain significance (1 of 4 stars; one submission).

Conditions:
Nephronophthisis. Also called: Juvenile Nephronophthisis. Identifiers: Orphanet 655, MedGen C0687120, MONDO:0019005, HP:0000090.
Meckel-Gruber syndrome. Also called: DYSENCEPHALIA SPLANCHNOCYSTICA; GRUBER SYNDROME; Dysencephalia splachnocystica. Identifiers: Orphanet 564, MedGen C0265215, MONDO:0018921.
Joubert syndrome. Also called: CEREBELLOPARENCHYMAL DISORDER IV; JOUBERT-BOLTSHAUSER SYNDROME; Familial aplasia of the vermis. Identifiers: Orphanet 475, MedGen C5979921, MONDO:0018772.

Allele frequency attached by ClinVar (database versions not stated): gnomAD exomes below 0.00001.
gnomAD v4.1: 1 of 1,608,018 alleles (0.000062%); highest among the groups gnomAD compares: East Asian, 0.0022%; no homozygotes.

Submission:

Labcorp Genetics (formerly Invitae), Labcorp
Classification: Uncertain significance for Joubert syndrome; Meckel-Gruber syndrome; Nephronophthisis. Last evaluated: 2022-08-23. Review status: criteria provided, single submitter. Criteria: Invitae Variant Classification Sherloc (09022015). Collection method: clinical testing. Allele origin: germline.
Comment: This sequence change replaces glutamine, which is neutral and polar, with arginine, which is basic and polar, at codon 207 of the CEP290 protein (p.Gln207Arg). This variant is not present in population databases (gnomAD no frequency). This variant has not been reported in the literature in individuals affected with CEP290-related conditions. ClinVar contains an entry for this variant (Variation ID: 1492152). Algorithms developed to predict the effect of missense changes on protein structure and function (SIFT, PolyPhen-2, Align-GVGD) all suggest that this variant is likely to be tolerated. In summary, the available evidence is currently insufficient to determine the role of this variant in disease. Therefore, it has been classified as a Variant of Uncertain Significance.